The following is an entry in ClinVar:

NM_002335.4(LRP5):c.4240C>A (p.Arg1414Ser)

Gene: LRP5 (LDL receptor related protein 5; plus strand). Cytogenetic location: 11q13.2.
Variant type: single nucleotide variant.
Coding change: c.4240C>A on transcript NM_002335.4 (MANE Select); coding-DNA position 4240, C replaced by A.
Protein change: p.Arg1414Ser; replaces arginine 1414 with serine.
Molecular consequence: missense variant.
Genome position (GRCh38, 1-based): chr11:68,438,574, C>A. VCF-style: chr11-68438574-C-A. GRCh37 (hg19) VCF-style: chr11-68206042-C-A.
Other names: c.2497C>A, p.Arg833Ser (NM_001291902.2); c.4240C>A (NM_002335.3); short protein forms R1414S, R833S.
Identifiers: ClinVar variation 1650641 (VCV001650641.11), dbSNP rs757683069, ClinGen allele CA6150289.

ClinVar aggregate classification (germline): Conflicting classifications of pathogenicity. Review status: criteria provided, conflicting classifications (1 of 4 stars). 4 submissions from 4 submitters: Uncertain significance (3); Likely benign (1). Last evaluated 2025-11-16.

Conditions:
LRP5-related disorder. Also called: LRP5-related condition.
Bone mineral density quantitative trait locus 1 (BMND1). Identifiers: MedGen C1866079, OMIM 601884.
Worth disease. Also called: ENDOSTEAL HYPEROSTOSIS, AUTOSOMAL DOMINANT; OSTEOSCLEROSIS, AUTOSOMAL DOMINANT; Autosomal dominant osteosclerosis, Worth type. Identifiers: Orphanet 2790, MedGen C0432273, MONDO:0007764, OMIM 144750.
Polycystic liver disease 4 with or without kidney cysts. Identifiers: MedGen C4693479, MONDO:0044327, OMIM 617875.
Exudative vitreoretinopathy 4 (EVR4). Identifiers: Orphanet 891, MedGen C1866176, MONDO:0011151, OMIM 601813.
Osteoporosis with pseudoglioma (OPPG). Also called: osteoporosis-pseudoglioma syndrome. Identifiers: Orphanet 2788, MedGen C0432252, MONDO:0009820, OMIM 259770.
Autosomal dominant osteopetrosis 1 (OPTA1). Also called: OSTEOPETROSIS, AUTOSOMAL DOMINANT, TYPE I. Identifiers: Orphanet 2783, MedGen C1843330, MONDO:0011877, OMIM 607634.

Allele frequency attached by ClinVar (database versions not stated): gnomAD 0.00003; gnomAD exomes 0.00007; ExAC 0.00009; TOPMed below 0.00001.
gnomAD v4.1: 73 of 1,614,126 alleles (0.0045%); highest among the groups gnomAD compares: South Asian, 0.057%; 1 homozygote.

Submissions (4):

Labcorp Genetics (formerly Invitae), Labcorp
Classification: Likely benign. Last evaluated: 2025-11-16. Review status: criteria provided, single submitter. Criteria: Invitae Variant Classification Sherloc (09022015). Collection method: clinical testing. Allele origin: germline.

PreventionGenetics, part of Exact Sciences
Classification: Uncertain significance for LRP5-related condition. Last evaluated: 2025-01-22. Review status: criteria provided, single submitter. Criteria: ACMG Guidelines, 2015. Collection method: clinical testing. Allele origin: germline.
Comment: The LRP5 c.4240C>A variant is predicted to result in the amino acid substitution p.Arg1414Ser. This variant was reported in a father and son with clinical features consistent with osteosclerosis (Zhao et al. 2023. PubMed ID: 36971833). This variant is reported in 0.046% of alleles in individuals of South Asian descent in gnomAD. At this time, the clinical significance of this variant is uncertain due to the absence of conclusive functional and genetic evidence.

Blueprint Genetics
Classification: Uncertain significance. Last evaluated: 2024-09-30. Review status: criteria provided, single submitter. Criteria: ACMG Guidelines, 2015. Collection method: clinical testing. Allele origin: germline.

Fulgent Genetics
Classification: Uncertain significance for Worth disease; Osteoporosis with pseudoglioma; Exudative vitreoretinopathy 4; Bone mineral density quantitative trait locus 1; Autosomal dominant osteopetrosis 1; Polycystic liver disease 4 with or without kidney cysts. Last evaluated: 2024-06-04. Review status: criteria provided, single submitter. Criteria: ACMG Guidelines, 2015. Collection method: clinical testing. Allele origin: germline.